The following is an entry in ClinVar:

ClinVar aggregate classification (germline): Uncertain significance. Review status: criteria provided, multiple submitters, no conflicts (2 of 4 stars). 2 submissions from 2 submitters: Uncertain significance (2). Last evaluated 2025-04-09.

Conditions:
Cardiovascular phenotype. Identifiers: MedGen CN230736.
RASopathy. Also called: rasopathies; Noonan spectrum disorder. Identifiers: Orphanet 536391, MedGen C5555857, MONDO:0021060.

Submissions (2):

Labcorp Genetics (formerly Invitae), Labcorp
Classification: Uncertain significance for RASopathy. Last evaluated: 2025-04-09. Review status: criteria provided, single submitter. Criteria: Invitae Variant Classification Sherloc (09022015). Collection method: clinical testing. Allele origin: germline.
Comment: This sequence change replaces valine, which is neutral and non-polar, with alanine, which is neutral and non-polar, at codon 64 of the MAP2K2 protein (p.Val64Ala). The frequency data for this variant in the population databases is considered unreliable, as metrics indicate poor data quality at this position in the gnomAD database. This variant has not been reported in the literature in individuals affected with MAP2K2-related conditions. ClinVar contains an entry for this variant (Variation ID: 543986). An algorithm developed to predict the effect of missense changes on protein structure and function (PolyPhen-2) suggests that this variant is likely to be tolerated. In summary, the available evidence is currently insufficient to determine the role of this variant in disease. Therefore, it has been classified as a Variant of Uncertain Significance.

Ambry Genetics
Classification: Uncertain significance for Cardiovascular phenotype. Last evaluated: 2021-08-02. Review status: criteria provided, single submitter. Criteria: Ambry Variant Classification Scheme 2023. Collection method: clinical testing. Allele origin: germline.
Comment: The c.191_192delTCinsCT (p.V64A) alteration, located in exon 2 (coding exon 2) of the MAP2K2 gene, consists of an in-frame substitution of 2 nucleotides from position 191 to 192, causing the valine (V) at amino acid position 64 to be replaced by an alanine (A). Based on insufficient or conflicting evidence, the clinical significance of this alteration remains unclear.

NM_030662.4(MAP2K2):c.191_192delinsCT (p.Val64Ala)

Gene: MAP2K2 (mitogen-activated protein kinase kinase 2; minus strand). Cytogenetic location: 19p13.3.
Variant type: Indel.
Coding change: c.191_192delinsCT on transcript NM_030662.4 (MANE Select); coding-DNA positions 191 to 192, TC replaced by CT.
Protein change: p.Val64Ala; replaces valine 64 with alanine.
Molecular consequence: missense variant.
Genome position (GRCh38, 1-based): chr19:4,117,530-4,117,531, GA replaced by AG on the plus strand (TC replaced by CT on the coding strand, the reverse complement: MAP2K2 is on the minus strand). VCF-style: chr19-4117530-GA-AG. GRCh37 (hg19) VCF-style: chr19-4117528-GA-AG.
Other names: c.191_192delTCinsCT (NM_030662.3); short protein forms V64A.
Identifiers: ClinVar variation 543986 (VCV000543986.10), dbSNP rs1555698682, ClinGen allele CA658799107.